The following is an entry in ClinVar:

NM_002224.4(ITPR3):c.6249G>C (p.Glu2083Asp)

Gene: ITPR3 (inositol 1,4,5-trisphosphate receptor type 3; plus strand). Cytogenetic location: 6p21.31.
Variant type: single nucleotide variant.
Coding change: c.6249G>C on transcript NM_002224.4 (MANE Select); coding-DNA position 6249, G replaced by C.
Protein change: p.Glu2083Asp; replaces glutamic acid 2083 with aspartic acid.
Molecular consequence: missense variant.
Genome position (GRCh38, 1-based): chr6:33,687,549, G>C. VCF-style: chr6-33687549-G-C. GRCh37 (hg19) VCF-style: chr6-33655326-G-C.
Other names: short protein forms E2083D.
Identifiers: ClinVar variation 4823155 (VCV004823155.4).

ClinVar aggregate classification (germline): Uncertain significance (1 of 4 stars; one submission).

Submission:

CeGaT Center for Human Genetics Tuebingen
Classification: Uncertain significance. Last evaluated: 2026-01-01. Review status: criteria provided, single submitter. Criteria: CeGaT Center For Human Genetics Tuebingen Variant Classification Criteria Version 2. Collection method: clinical testing. Allele origin: germline. Affected: yes. Observed: 1 variant allele.
Comment: ITPR3: PM2